The following is an entry in ClinVar:

NM_020366.4(RPGRIP1):c.3124T>A (p.Phe1042Ile)

Gene: RPGRIP1 (RPGR interacting protein 1; plus strand). Cytogenetic location: 14q11.2.
Variant type: single nucleotide variant.
Coding change: c.3124T>A on transcript NM_020366.4 (MANE Select); coding-DNA position 3124, T replaced by A.
Protein change: p.Phe1042Ile; replaces phenylalanine 1042 with isoleucine.
Molecular consequence: missense variant.
Genome position (GRCh38, 1-based): chr14:21,330,273, T>A. VCF-style: chr14-21330273-T-A. GRCh37 (hg19) VCF-style: chr14-21798432-T-A.
Other names: c.1102T>A, p.Phe368Ile (NM_001377523.1); c.2050T>A, p.Phe684Ile (NM_001377948.1); c.1210T>A, p.Phe404Ile (NM_001377949.1); c.1099T>A, p.Phe367Ile (NM_001377950.1); c.604T>A, p.Phe202Ile (NM_001377951.1); short protein forms F202I, F367I, F684I, F404I, F1042I, F368I.
Identifiers: ClinVar variation 1464097 (VCV001464097.4), dbSNP rs988867957, ClinGen allele CA257536561.
Genomic context (GRCh38, chr14:21,330,273, plus strand): 5'-TACCAGCTATGTAGTATTGTTGTTCTTATTCTGAAGCAGGTGAATTACACTGAGTGGAAG[T>A]TCTCAGAGACTAACAGCTTCATAGGTGATGGCTTTAAAAATCAGCACGAGGAAGAGGAAA-3'
Protein context (NP_065099.3, residues 1032-1052): PEQVNYTEWK[Phe1042Ile]SETNSFIGDG

ClinVar aggregate classification (germline): Uncertain significance (1 of 4 stars; one submission).

Conditions:
Leber congenital amaurosis 6 (LCA6). Identifiers: Orphanet 65, MedGen C1854260, MONDO:0013446, OMIM 613826.
Cone-rod dystrophy 13 (CORD13). Identifiers: Orphanet 1872, MedGen C2750720, MONDO:0011987, OMIM 608194.

Allele frequency attached by ClinVar (database versions not stated): gnomAD exomes below 0.00001; TOPMed below 0.00001; gnomAD 0.00001.

Submission:

Labcorp Genetics (formerly Invitae), Labcorp
Classification: Uncertain significance for Leber congenital amaurosis 6; Cone-rod dystrophy 13. Last evaluated: 2021-09-04. Review status: criteria provided, single submitter. Criteria: Invitae Variant Classification Sherloc (09022015). Collection method: clinical testing. Allele origin: germline.
Comment: In summary, the available evidence is currently insufficient to determine the role of this variant in disease. Therefore, it has been classified as a Variant of Uncertain Significance. Algorithms developed to predict the effect of missense changes on protein structure and function are either unavailable or do not agree on the potential impact of this missense change (SIFT: "Tolerated"; PolyPhen-2: "Possibly Damaging"; Align-GVGD: "Class C0"). This variant has not been reported in the literature in individuals affected with RPGRIP1-related conditions. This variant is not present in population databases (ExAC no frequency). This sequence change replaces phenylalanine with isoleucine at codon 1042 of the RPGRIP1 protein (p.Phe1042Ile). The phenylalanine residue is moderately conserved and there is a small physicochemical difference between phenylalanine and isoleucine.